The following is an entry in ClinVar:

ClinVar aggregate classification (germline): Likely benign (1 of 4 stars; one submission).

gnomAD v4.1: 271 of 1,612,280 alleles (0.017%); highest among the groups gnomAD compares: African/African-American, 0.18%; 2 homozygotes.

Submission:

CeGaT Center for Human Genetics Tuebingen
Classification: Likely benign. Last evaluated: 2026-02-01. Review status: criteria provided, single submitter. Criteria: CeGaT Center For Human Genetics Tuebingen Variant Classification Criteria Version 2. Collection method: clinical testing. Allele origin: germline. Affected: yes. Observed: 1 variant allele.
Comment: ACSM2A: BP4, BP7

NM_001308172.2(ACSM2A):c.936C>T (p.Pro312=)

Gene: ACSM2A (acyl-CoA synthetase medium chain family member 2A; plus strand). Cytogenetic location: 16p12.3.
Variant type: single nucleotide variant.
Coding change: c.936C>T on transcript NM_001308172.2 (MANE Select); coding-DNA position 936, C replaced by T.
Protein change: p.Pro312=; no amino-acid change (proline 312 retained).
Molecular consequence: synonymous variant.
Genome position (GRCh38, 1-based): chr16:20,475,403, C>T. VCF-style: chr16-20475403-C-T. GRCh37 (hg19) VCF-style: chr16-20486725-C-T.
Other names: c.699C>T, p.Pro233= (NM_001308169.2); c.936C>T, p.Pro312= (NM_001308954.2).
Identifiers: ClinVar variation 4821284 (VCV004821284.4).
Genomic context (GRCh38, chr16:20,475,403, plus strand): 5'-CCTGGCTCTTGTCTTCCAGACACTCTCCAGTTATCCAATCAAGAGTATGATGGGTGCCCC[C>T]ATTGTTTACCGGATGTTGCTACAGCAGGATCTTTCCAGGTGATGGGGCTTTGAGGATTGG-3'
Protein context (NP_001295101.1, residues 302-322): SYPIKSMMGA[Pro312=]IVYRMLLQQD